The following is an entry in ClinVar:

NM_003888.4(ALDH1A2):c.258G>A (p.Leu86=)

Gene: ALDH1A2 (aldehyde dehydrogenase 1 family member A2; minus strand). Cytogenetic location: 15q21.3.
Variant type: single nucleotide variant.
Coding change: c.258G>A on transcript NM_003888.4 (MANE Select); coding-DNA position 258, G replaced by A.
Protein change: p.Leu86=; no amino-acid change (leucine 86 retained).
Molecular consequence: synonymous variant. On other transcripts: 5 prime UTR variant (1).
Genome position (GRCh38, 1-based): chr15:58,013,963, C>T on the plus strand (G>A on the coding strand, the complement: ALDH1A2 is on the minus strand). VCF-style: chr15-58013963-C-T. GRCh37 (hg19) VCF-style: chr15-58306161-C-T.
Other names: c.195G>A, p.Leu65= (NM_001206897.2); c.258G>A, p.Leu86= (NM_170696.3); c.-31G>A (NM_170697.3).
Identifiers: ClinVar variation 2645379 (VCV002645379.24), dbSNP rs61757678, ClinGen allele CA7584152.

ClinVar aggregate classification (germline): Likely benign (1 of 4 stars; one submission).

Allele frequency attached by ClinVar (database versions not stated): ExAC 0.00015; gnomAD 0.00019; TOPMed 0.00022; ESP Exome Variant Server 0.00023.
gnomAD v4.1: 504 of 1,613,952 alleles (0.031%); highest among the groups gnomAD compares: Non-Finnish European, 0.041%; no homozygotes.

Submission:

CeGaT Center for Human Genetics Tuebingen
Classification: Likely benign. Last evaluated: 2022-10-01. Review status: criteria provided, single submitter. Criteria: CeGaT Center For Human Genetics Tuebingen Variant Classification Criteria Version 2. Collection method: clinical testing. Allele origin: germline. Affected: yes. Observed: 1 variant allele.
Comment: ALDH1A2: BP4, BP7